The following is an entry in ClinVar:

ClinVar aggregate classification (germline): Uncertain significance. Review status: criteria provided, multiple submitters, no conflicts (2 of 4 stars). 4 submissions from 4 submitters: Uncertain significance (4). Last evaluated 2023-11-18.

Conditions:
Inborn genetic diseases. Identifiers: MedGen C0950123, MeSH D030342.
SYNJ1-related disorder. Also called: SYNJ1-related condition.
Early-onset Parkinson disease 20. Also called: PARKINSON DISEASE 20, AUTOSOMAL RECESSIVE EARLY-ONSET. Identifiers: Orphanet 391411, MedGen C3809824, MONDO:0014233, OMIM 615530.
Developmental and epileptic encephalopathy, 53. Also called: Epileptic encephalopathy, early infantile, 53. Identifiers: MedGen C4479313, MONDO:0033362, OMIM 617389.

Allele frequency attached by ClinVar (database versions not stated): gnomAD 0.00001 and 0.00003; gnomAD exomes 0.00004 and 0.00007; ExAC 0.00005; TOPMed 0.00007; 1000 Genomes Project 0.00020; 1000 Genomes Project 30x 0.00031.
gnomAD v4.1: 28 of 1,606,344 alleles (0.0017%); highest among the groups gnomAD compares: Admixed American, 0.045%; no homozygotes.

Submissions (4):

GeneDx
Classification: Uncertain significance. Last evaluated: 2023-11-18. Review status: criteria provided, single submitter. Criteria: GeneDx Variant Classification Process June 2021. Collection method: clinical testing. Allele origin: germline. Affected: yes.
Comment: In silico analysis supports that this missense variant has a deleterious effect on protein structure/function; Identified in a patient with epilepsy in the published literature, however, a second variant was not reported (PMID: 36539902); This variant is associated with the following publications: (PMID: 36539902)

PreventionGenetics, part of Exact Sciences
Classification: Uncertain significance for SYNJ1-related condition. Last evaluated: 2023-04-11. Review status: criteria provided, single submitter. Criteria: ACMG Guidelines, 2015. Collection method: clinical testing. Allele origin: germline.
Comment: The SYNJ1 c.3527C>T variant is predicted to result in the amino acid substitution p.Pro1176Leu. To our knowledge, this variant has not been reported in the literature. This variant is reported in 0.056% of alleles in individuals of Latino descent in gnomAD. At this time, the clinical significance of this variant is uncertain due to the absence of conclusive functional and genetic evidence.

Labcorp Genetics (formerly Invitae), Labcorp
Classification: Uncertain significance for Developmental and epileptic encephalopathy, 53; Early-onset Parkinson disease 20. Last evaluated: 2022-08-17. Review status: criteria provided, single submitter. Criteria: Invitae Variant Classification Sherloc (09022015). Collection method: clinical testing. Allele origin: germline.
Comment: This sequence change replaces proline, which is neutral and non-polar, with leucine, which is neutral and non-polar, at codon 1176 of the SYNJ1 protein (p.Pro1176Leu). This variant is present in population databases (rs569046864, gnomAD 0.05%). This variant has not been reported in the literature in individuals affected with SYNJ1-related conditions. ClinVar contains an entry for this variant (Variation ID: 544570). Algorithms developed to predict the effect of missense changes on protein structure and function output the following: SIFT: "Deleterious"; PolyPhen-2: "Benign"; Align-GVGD: "Class C0". The leucine amino acid residue is found in multiple mammalian species, which suggests that this missense change does not adversely affect protein function. In summary, the available evidence is currently insufficient to determine the role of this variant in disease. Therefore, it has been classified as a Variant of Uncertain Significance.

Ambry Genetics
Classification: Uncertain significance for Inborn genetic diseases. Last evaluated: 2022-02-10. Review status: criteria provided, single submitter. Criteria: Ambry Variant Classification Scheme 2023. Collection method: clinical testing. Allele origin: germline.

NM_203446.3(SYNJ1):c.3410C>T (p.Pro1137Leu)

Gene: SYNJ1 (synaptojanin 1; minus strand). Cytogenetic location: 21q22.11.
Variant type: single nucleotide variant.
Coding change: c.3410C>T on transcript NM_203446.3 (MANE Select); coding-DNA position 3410, C replaced by T.
Protein change: p.Pro1137Leu; replaces proline 1137 with leucine.
Molecular consequence: missense variant. On other transcripts: intron variant (1).
Genome position (GRCh38, 1-based): chr21:32,644,988, G>A on the plus strand (C>T on the coding strand, the complement: SYNJ1 is on the minus strand). VCF-style: chr21-32644988-G-A. GRCh37 (hg19) VCF-style: chr21-34017298-G-A.
Other names: c.3410C>T, p.Pro1137Leu (NM_001160302.2); c.3527C>T, p.Pro1176Leu (NM_003895.4); c.3376+658C>T (NM_001160306.2); short protein forms P1176L, P1137L.
Identifiers: ClinVar variation 544570 (VCV000544570.9), dbSNP rs569046864, ClinGen allele CA10003418.